The following is an entry in ClinVar:

NM_001267550.2(TTN):c.58601G>A (p.Ser19534Asn)

Genes: TTN-AS1 (TTN antisense RNA 1; plus strand), TTN (titin; minus strand). Cytogenetic location: 2q31.2.
Variant type: single nucleotide variant.
Coding change: c.58601G>A on transcript NM_001267550.2 (MANE Select); coding-DNA position 58601, G replaced by A.
Protein change: p.Ser19534Asn; replaces serine 19534 with asparagine.
Molecular consequence: missense variant.
Genome position (GRCh38, 1-based): chr2:178,593,699, C>T on the plus strand (G>A on the coding strand, the complement: TTN is on the minus strand). VCF-style: chr2-178593699-C-T. GRCh37 (hg19) VCF-style: chr2-179458426-C-T.
Other names: p.S17893N:AGT>AAT; c.53678G>A, p.Ser17893Asn (NM_001256850.1); c.31406G>A, p.Ser10469Asn (NM_003319.4); c.50897G>A, p.Ser16966Asn (NM_133378.4); c.31781G>A, p.Ser10594Asn (NM_133432.3); c.31982G>A, p.Ser10661Asn (NM_133437.4); short protein forms S17893N, S19534N, S16966N, S10594N, S10469N, S10661N.
Identifiers: ClinVar variation 202737 (VCV000202737.8), dbSNP rs563833549, ClinGen allele CA310131.

ClinVar aggregate classification (germline): Uncertain significance. Review status: criteria provided, multiple submitters, no conflicts (2 of 4 stars). 3 submissions from 3 submitters: Uncertain significance (3). Last evaluated 2018-01-03.

Conditions:
Cardiomyopathy (CMYO). Also called: Cardiomyopathies. Identifiers: Orphanet 167848, MedGen C0878544, MONDO:0004994, HP:0001638. Inheritance: Various modes of inheritance.

Allele frequency attached by ClinVar (database versions not stated): gnomAD exomes 0.00001 and 0.00003; ExAC 0.00002; gnomAD 0.00003; TOPMed 0.00008; 1000 Genomes Project 0.00020; 1000 Genomes Project 30x 0.00031.
gnomAD v4.1: 27 of 1,613,354 alleles (0.0017%); highest among the groups gnomAD compares: Admixed American, 0.01%; no homozygotes.

Submissions (3):

CHEO Genetics Diagnostic Laboratory, Children's Hospital of Eastern Ontario
Classification: Uncertain significance for Cardiomyopathy. Last evaluated: 2018-01-03. Review status: criteria provided, single submitter. Criteria: ACMG Guidelines, 2015. Collection method: clinical testing. Allele origin: germline.

Eurofins Ntd Llc (ga)
Classification: Uncertain significance. Last evaluated: 2017-01-04. Review status: criteria provided, single submitter. Criteria: EGL Classification Definitions 2015. Collection method: clinical testing. Allele origin: germline. Observed: 1 variant allele, 1 heterozygote.

GeneDx
Classification: Uncertain significance. Last evaluated: 2014-08-20. Review status: criteria provided, single submitter. Criteria: GeneDx Variant Classification (06012015). Collection method: clinical testing. Allele origin: germline. Affected: yes.
Comment: Missense variants in the TTN gene are considered 'unclassified' if they are not previously reported in the literature and do not have >1% frequency in the population to be considered a polymorphism. Research indicates that truncating mutations in the TTN gene are expected to account for approximately 25% of familial and 18% of sporadic idiopathic DCM; however, truncating variants in the TTN gene have been reported in approximately 3% of reported control alleles. There has been little investigation into non-truncating variants. (Herman D et al. Truncations of titin causing dilated cardiomyopathy. N Eng J Med 366:619-628, 2012) The variant is found in CARDIOMYOPATHY panel(s).